The following is an entry in ClinVar:

ClinVar aggregate classification (germline): Uncertain significance (1 of 4 stars; one submission).

Conditions:
Primary ciliary dyskinesia. Also called: Ciliary dyskinesia. Identifiers: Orphanet 244, MedGen C0008780, MONDO:0016575, HP:0012265.

Allele frequency attached by ClinVar (database versions not stated): gnomAD exomes below 0.00001.
gnomAD v4.1: 2 of 1,612,694 alleles (0.00012%); highest among the groups gnomAD compares: Non-Finnish European, 0.00017%; no homozygotes.

Submission:

Ambry Genetics
Classification: Uncertain significance for Primary ciliary dyskinesia. Last evaluated: 2022-05-15. Review status: criteria provided, single submitter. Criteria: Ambry Variant Classification Scheme 2023. Collection method: clinical testing. Allele origin: germline.
Comment: The p.A4448T variant (also known as c.13342G>A), located in coding exon 82 of the DNAH11 gene, results from a G to A substitution at nucleotide position 13342. The alanine at codon 4448 is replaced by threonine, an amino acid with similar properties. This amino acid position is conserved. In addition, this alteration is predicted to be tolerated by in silico analysis. Since supporting evidence is limited at this time, the clinical significance of this alteration remains unclear.

NM_001277115.2(DNAH11):c.13342G>A (p.Ala4448Thr)

Genes: CDCA7L (cell division cycle associated 7 like; minus strand), DNAH11 (dynein axonemal heavy chain 11; plus strand). Cytogenetic location: 7p15.3.
Variant type: single nucleotide variant.
Coding change: c.13342G>A on transcript NM_001277115.2 (MANE Select); coding-DNA position 13342, G replaced by A.
Protein change: p.Ala4448Thr; replaces alanine 4448 with threonine.
Molecular consequence: missense variant. On other transcripts: 3 prime UTR variant (3).
Genome position (GRCh38, 1-based): chr7:21,901,045, G>A. VCF-style: chr7-21901045-G-A. GRCh37 (hg19) VCF-style: chr7-21940663-G-A.
Other names: c.*1277C>T (NM_001127370.3, NM_001127371.3, NM_018719.5); short protein forms A4448T.
Identifiers: ClinVar variation 1770208 (VCV001770208.2), dbSNP rs2534163762, ClinGen allele CA366956768.